The following is an entry in ClinVar:

NM_001042475.3(CEP85L):c.-4C>G

Genes: CEP85L (centrosomal protein 85L; minus strand), LOC129997071 (ATAC-STARR-seq lymphoblastoid silent region 17501; plus strand). Cytogenetic location: 6q22.31.
Variant type: single nucleotide variant.
Coding change: c.-4C>G on transcript NM_001042475.3 (MANE Select); 4 bases upstream of the start codon, C replaced by G.
Molecular consequence: 5 prime UTR variant. On other transcripts: intron variant (1).
Genome position (GRCh38, 1-based): chr6:118,651,273, G>C on the plus strand (C>G on the coding strand, the complement: CEP85L is on the minus strand). VCF-style: chr6-118651273-G-C. GRCh37 (hg19) VCF-style: chr6-118972436-G-C.
Other names: c.-4C>G (NM_206921.3); c.82+1427C>G (NM_001178035.2).
Identifiers: ClinVar variation 5039890 (VCV005039890.1).

ClinVar aggregate classification (germline): Likely benign (1 of 4 stars; one submission).

Submission:

CeGaT Center for Human Genetics Tuebingen
Classification: Likely benign. Last evaluated: 2026-07-01. Review status: criteria provided, single submitter. Criteria: CeGaT Center For Human Genetics Tuebingen Variant Classification Criteria Version 2. Collection method: clinical testing. Allele origin: germline. Affected: yes. Observed: 1 variant allele.
Comment: CEP85L: BP4